The following is an entry in ClinVar:

ClinVar aggregate classification (germline): Conflicting classifications of pathogenicity. Review status: criteria provided, conflicting classifications (1 of 4 stars). 3 submissions from 3 submitters: Uncertain significance (2); Likely benign (1). Last evaluated 2024-10-09.

Conditions:
Inborn genetic diseases. Identifiers: MedGen C0950123, MeSH D030342.

Allele frequency attached by ClinVar (database versions not stated): gnomAD exomes 0.00003 and 0.00005; TOPMed 0.00006; ExAC 0.00010; gnomAD 0.00010; ESP Exome Variant Server 0.00011.
gnomAD v4.1: 49 of 1,549,990 alleles (0.0032%); highest among the groups gnomAD compares: Middle Eastern, 0.017%; no homozygotes.

Submissions (3):

Ambry Genetics
Classification: Likely benign for Inborn genetic diseases. Last evaluated: 2024-10-09. Review status: criteria provided, single submitter. Criteria: Ambry Variant Classification Scheme 2023. Collection method: clinical testing. Allele origin: germline.

Labcorp Genetics (formerly Invitae), Labcorp
Classification: Uncertain significance. Last evaluated: 2022-04-26. Review status: criteria provided, single submitter. Criteria: Invitae Variant Classification Sherloc (09022015). Collection method: clinical testing. Allele origin: germline.
Comment: This sequence change replaces arginine, which is basic and polar, with glutamine, which is neutral and polar, at codon 686 of the COL18A1 protein (p.Arg686Gln). This variant is present in population databases (rs367841049, gnomAD 0.02%). This variant has not been reported in the literature in individuals affected with COL18A1-related conditions. ClinVar contains an entry for this variant (Variation ID: 623970). Experimental studies and prediction algorithms are not available or were not evaluated, and the functional significance of this variant is currently unknown. In summary, the available evidence is currently insufficient to determine the role of this variant in disease. Therefore, it has been classified as a Variant of Uncertain Significance.

CeGaT Center for Human Genetics Tuebingen
Classification: Uncertain significance. Last evaluated: 2018-04-01. Review status: criteria provided, single submitter. Criteria: CeGaT Center For Human Genetics Tuebingen Variant Classification Criteria Version 2. Collection method: clinical testing. Allele origin: germline. Affected: yes. Observed: 3 variant alleles.

NM_001379500.1(COL18A1):c.2057G>A (p.Arg686Gln)

Gene: COL18A1 (collagen type XVIII alpha 1 chain; plus strand). Cytogenetic location: 21q22.3.
Variant type: single nucleotide variant.
Coding change: c.2057G>A on transcript NM_001379500.1 (MANE Select); coding-DNA position 2057, G replaced by A.
Protein change: p.Arg686Gln; replaces arginine 686 with glutamine.
Molecular consequence: missense variant.
Genome position (GRCh38, 1-based): chr21:45,490,861, G>A. VCF-style: chr21-45490861-G-A. GRCh37 (hg19) VCF-style: chr21-46910775-G-A.
Other names: NM_130445.2:c.2057G>A; c.2597G>A, p.Arg866Gln (NM_030582.4); c.3302G>A, p.Arg1101Gln (NM_130444.3); short protein forms R866Q, R1101Q.
Identifiers: ClinVar variation 623970 (VCV000623970.46), dbSNP rs367841049, ClinGen allele CA10066764.